The following is an entry in ClinVar:

ClinVar aggregate classification (germline): Uncertain significance (1 of 4 stars; one submission).

Submission:

Labcorp Genetics (formerly Invitae), Labcorp
Classification: Uncertain significance. Last evaluated: 2024-04-10. Review status: criteria provided, single submitter. Criteria: Invitae Variant Classification Sherloc (09022015). Collection method: clinical testing. Allele origin: germline.
Comment: This sequence change replaces aspartic acid, which is acidic and polar, with glutamic acid, which is acidic and polar, at codon 1454 of the KIAA0556 protein (p.Asp1454Glu). This variant is not present in population databases (gnomAD no frequency). This variant has not been reported in the literature in individuals affected with KIAA0556-related conditions. ClinVar contains an entry for this variant (Variation ID: 2023309). An algorithm developed to predict the effect of missense changes on protein structure and function (PolyPhen-2) suggests that this variant is likely to be disruptive. In summary, the available evidence is currently insufficient to determine the role of this variant in disease. Therefore, it has been classified as a Variant of Uncertain Significance.

NM_015202.5(KATNIP):c.4362C>G (p.Asp1454Glu)

Gene: KATNIP (katanin interacting protein; plus strand). Cytogenetic location: 16p12.1.
Variant type: single nucleotide variant.
Coding change: c.4362C>G on transcript NM_015202.5 (MANE Select); coding-DNA position 4362, C replaced by G.
Protein change: p.Asp1454Glu; replaces aspartic acid 1454 with glutamic acid.
Molecular consequence: missense variant.
Genome position (GRCh38, 1-based): chr16:27,774,997, C>G. VCF-style: chr16-27774997-C-G. GRCh37 (hg19) VCF-style: chr16-27786318-C-G.
Other names: short protein forms D1454E.
Identifiers: ClinVar variation 2023309 (VCV002023309.4), dbSNP rs1040678296, ClinGen allele CA395331259.